The following is an entry in ClinVar:

ClinVar aggregate classification (germline): Likely benign. Review status: criteria provided, multiple submitters, no conflicts (2 of 4 stars). 2 submissions from 2 submitters: Likely benign (2). Last evaluated 2025-05-28.

Conditions:
Tuberous sclerosis 2 (TSC2). Identifiers: Orphanet 805, MedGen C1860707, MONDO:0013199, OMIM 613254.

Submissions (2):

Myriad Genetics, Inc.
Classification: Likely benign for Tuberous sclerosis 2. Last evaluated: 2025-05-28. Review status: criteria provided, single submitter. Criteria: Myriad Autosomal Dominant, Autosomal Recessive and X-Linked Classification Criteria (2023). Collection method: clinical testing. Allele origin: unknown.
Comment: This variant is considered likely benign. This variant is intronic and is not expected to impact mRNA splicing.

Labcorp Genetics (formerly Invitae), Labcorp
Classification: Likely benign for Tuberous sclerosis 2. Last evaluated: 2022-11-25. Review status: criteria provided, single submitter. Criteria: Invitae Variant Classification Sherloc (09022015). Collection method: clinical testing. Allele origin: germline.

NM_000548.5(TSC2):c.3131+7G>A

Gene: TSC2 (TSC complex subunit 2; plus strand). Cytogenetic location: 16p13.3.
Variant type: single nucleotide variant.
Coding change: c.3131+7G>A on transcript NM_000548.5 (MANE Select); 7 bases into the intron after coding-DNA position 3131, G replaced by A.
Molecular consequence: intron variant.
Genome position (GRCh38, 1-based): chr16:2,079,203, G>A. VCF-style: chr16-2079203-G-A. GRCh37 (hg19) VCF-style: chr16-2129204-G-A.
Other names: c.3131+7G>A (NM_001114382.3); c.3002+7G>A (NM_021055.3, NM_001370405.1, NM_001363528.2); c.2999+7G>A (NM_001370404.1, NM_001077183.3); c.2891+7G>A (NM_001318827.2); c.2399+7G>A (NM_001318831.2); c.2855+7G>A (NM_001318829.2); c.3032+7G>A (NM_001318832.2).
Identifiers: ClinVar variation 757437 (VCV000757437.11), dbSNP rs1596383060, ClinGen allele CA915946290.